The following is an entry in ClinVar:

Conditions:
Breast-ovarian cancer, familial, susceptibility to, 1 (BROVCA1). Also called: BRCA1 Hereditary Breast and Ovarian Cancer; OVARIAN CANCER, SUSCEPTIBILITY TO. Identifiers: Orphanet 145, MedGen C2676676, MONDO:0011450, OMIM 604370. Disease mechanism: loss of function.

Submission:

Brotman Baty Institute, University of Washington
No classification provided (evidence only). Condition: Breast-ovarian cancer, familial 1. Review status: no classification provided. Collection method: in vitro. Allele origin: not applicable. Functional consequence: functionally_normal.
ClinVar note: "not provided" was previously submitted as the classification for the variant. However, the classification appeared to be based only on an observation of functional data so it was converted to no classification on 2025-07-30.

NM_007294.4(BRCA1):c.5300G>A (p.Cys1767Tyr)

Gene: BRCA1 (BRCA1 DNA repair associated; minus strand). Cytogenetic location: 17q21.31.
Variant type: single nucleotide variant.
Coding change: c.5300G>A on transcript NM_007294.4 (MANE Select); coding-DNA position 5300, G replaced by A.
Protein change: p.Cys1767Tyr; replaces cysteine 1767 with tyrosine.
Molecular consequence: missense variant. On other transcripts: non-coding transcript variant (1).
Genome position (GRCh38, 1-based): chr17:43,051,095, C>T on the plus strand (G>A on the coding strand, the complement: BRCA1 is on the minus strand). VCF-style: chr17-43051095-C-T. GRCh37 (hg19) VCF-style: chr17-41203112-C-T.
Other names: c.5087G>A, p.Cys1696Tyr (NM_001407571.1, NM_001407906.1, NM_001407907.1 and 12 more transcripts); c.5366G>A, p.Cys1789Tyr (NM_001407581.1, NM_001407582.1); c.5363G>A, p.Cys1788Tyr (NM_001407583.1, NM_001407585.1, NM_001407587.1 and 1 more transcripts); c.5360G>A, p.Cys1787Tyr (NM_001407590.1, NM_001407591.1); c.5300G>A, p.Cys1767Tyr (NM_001407593.1, NM_001407594.1, NM_001407596.1 and 6 more transcripts); c.5297G>A, p.Cys1766Tyr (NM_001407610.1, NM_001407611.1, NM_001407612.1 and 17 more transcripts); c.5294G>A, p.Cys1765Tyr (NM_001407631.1, NM_001407632.1, NM_001407633.1 and 14 more transcripts); c.5222G>A, p.Cys1741Tyr (NM_001407653.1, NM_001407654.1, NM_001407655.1 and 1 more transcripts); and 72 more; short protein forms C1720Y, C663Y, C1767Y, C1788Y, C1638Y, C1640Y, C1678Y, C1719Y.
Identifiers: ClinVar variation 868291 (VCV000868291.3), dbSNP rs1597804426, ClinGen allele CA10590949.
Genomic context (GRCh38, chr17:43,051,095, plus strand): 5'-GAACTCTGGGGTTCTCCCAGGCTCTTACCTGTGGGCATGTTGGTGAAGGGCCCATAGCAA[C>T]AGATTTCTAGCCCCCTGAAGATCTGGAAGAAGAGAGGAAGAGAGAGGGACAGGGGAATGG-3'
Protein context (NP_009225.1, residues 1757-1777): DRKIFRGLEI[Cys1767Tyr]CYGPFTNMPT